The following is an entry in ClinVar:

ClinVar aggregate classification (germline): Uncertain significance. Review status: criteria provided, multiple submitters, no conflicts (2 of 4 stars). 3 submissions from 3 submitters: Uncertain significance (3). Last evaluated 2023-12-30.

Conditions:
Primary ciliary dyskinesia. Also called: Ciliary dyskinesia. Identifiers: Orphanet 244, MedGen C0008780, MONDO:0016575, HP:0012265.

Allele frequency attached by ClinVar (database versions not stated): ExAC 0.00002; gnomAD exomes 0.00003 and 0.00004; gnomAD 0.00008 and 0.00009; TOPMed 0.00014; ESP Exome Variant Server 0.00023.
gnomAD v4.1: 58 of 1,614,004 alleles (0.0036%); highest among the groups gnomAD compares: African/African-American, 0.065%; no homozygotes.

Submissions (3):

Ambry Genetics
Classification: Uncertain significance. Last evaluated: 2023-12-30. Review status: criteria provided, single submitter. Criteria: Ambry Variant Classification Scheme 2023. Collection method: clinical testing. Allele origin: germline.

Labcorp Genetics (formerly Invitae), Labcorp
Classification: Uncertain significance for Primary ciliary dyskinesia. Last evaluated: 2022-08-16. Review status: criteria provided, single submitter. Criteria: Invitae Variant Classification Sherloc (09022015). Collection method: clinical testing. Allele origin: germline.
Comment: This sequence change replaces phenylalanine, which is neutral and non-polar, with leucine, which is neutral and non-polar, at codon 4652 of the DNAH8 protein (p.Phe4652Leu). This variant is present in population databases (rs149938578, gnomAD 0.05%). This variant has not been reported in the literature in individuals affected with DNAH8-related conditions. ClinVar contains an entry for this variant (Variation ID: 525332). Algorithms developed to predict the effect of missense changes on protein structure and function are either unavailable or do not agree on the potential impact of this missense change (SIFT: "Deleterious"; PolyPhen-2: "Not Available"; Align-GVGD: "Class C0"). In summary, the available evidence is currently insufficient to determine the role of this variant in disease. Therefore, it has been classified as a Variant of Uncertain Significance.

Breakthrough Genomics
Classification: Uncertain significance. Review status: criteria provided, single submitter. Criteria: ACMG Guidelines, 2015. Collection method: not provided. Allele origin: germline. Inheritance: Autosomal recessive inheritance. Affected: yes.

NM_001206927.2(DNAH8):c.13954T>C (p.Phe4652Leu)

Gene: DNAH8 (dynein axonemal heavy chain 8; plus strand). Cytogenetic location: 6p21.2.
Variant type: single nucleotide variant.
Coding change: c.13954T>C on transcript NM_001206927.2 (MANE Select); coding-DNA position 13954, T replaced by C.
Protein change: p.Phe4652Leu; replaces phenylalanine 4652 with leucine.
Molecular consequence: missense variant.
Genome position (GRCh38, 1-based): chr6:39,030,222, T>C. VCF-style: chr6-39030222-T-C. GRCh37 (hg19) VCF-style: chr6-38997998-T-C.
Other names: c.13303T>C, p.Phe4435Leu (NM_001371.4); short protein forms F4652L, F4435L.
Identifiers: ClinVar variation 525332 (VCV000525332.9), dbSNP rs149938578, ClinGen allele CA3791827.